The following is an entry in ClinVar:

ClinVar aggregate classification (germline): Uncertain significance. Review status: criteria provided, multiple submitters, no conflicts (2 of 4 stars). 2 submissions from 2 submitters: Uncertain significance (2). Last evaluated 2024-05-04.

Conditions:
Hereditary cancer-predisposing syndrome. Also called: Neoplastic Syndromes, Hereditary; Tumor predisposition; Hereditary neoplastic syndrome; Hereditary Cancer Syndrome. Identifiers: Orphanet 140162, MedGen C0027672, MeSH D009386, MONDO:0015356.
Carney complex, type 1 (CNC1). Also called: CARNEY COMPLEX, TYPE I; CARNEY MYXOMA-ENDOCRINE COMPLEX. Identifiers: Orphanet 1359, MedGen C2607929, MONDO:0008057, OMIM 160980.

Allele frequency attached by ClinVar (database versions not stated): gnomAD exomes below 0.00001; ExAC 0.00001.
gnomAD v4.1: 1 of 1,614,126 alleles (0.000062%); highest among the groups gnomAD compares: Admixed American, 0.0017%; no homozygotes.

Submissions (2):

Ambry Genetics
Classification: Uncertain significance for Hereditary cancer-predisposing syndrome. Last evaluated: 2024-05-04. Review status: criteria provided, single submitter. Criteria: Ambry Variant Classification Scheme 2023. Collection method: clinical testing. Allele origin: germline.
Comment: The p.N309S variant (also known as c.926A>G), located in coding exon 9 of the PRKAR1A gene, results from an A to G substitution at nucleotide position 926. The asparagine at codon 309 is replaced by serine, an amino acid with highly similar properties. This amino acid position is conserved. In addition, this alteration is predicted to be tolerated by in silico analysis. Based on the available evidence, the clinical significance of this variant remains unclear.

Labcorp Genetics (formerly Invitae), Labcorp
Classification: Uncertain significance for Carney complex, type 1. Last evaluated: 2021-10-10. Review status: criteria provided, single submitter. Criteria: Invitae Variant Classification Sherloc (09022015). Collection method: clinical testing. Allele origin: germline.
Comment: In summary, the available evidence is currently insufficient to determine the role of this variant in disease. Therefore, it has been classified as a Variant of Uncertain Significance. Algorithms developed to predict the effect of missense changes on protein structure and function (SIFT, PolyPhen-2, Align-GVGD) all suggest that this variant is likely to be tolerated. This variant has not been reported in the literature in individuals affected with PRKAR1A-related conditions. This variant is present in population databases (rs756663310, ExAC 0.009%). This sequence change replaces asparagine with serine at codon 309 of the PRKAR1A protein (p.Asn309Ser). The asparagine residue is moderately conserved and there is a small physicochemical difference between asparagine and serine.

NM_002734.5(PRKAR1A):c.926A>G (p.Asn309Ser)

Gene: PRKAR1A (protein kinase cAMP-dependent type I regulatory subunit alpha; plus strand). Cytogenetic location: 17q24.2.
Variant type: single nucleotide variant.
Coding change: c.926A>G on transcript NM_002734.5 (MANE Select); coding-DNA position 926, A replaced by G.
Protein change: p.Asn309Ser; replaces asparagine 309 with serine.
Molecular consequence: missense variant.
Genome position (GRCh38, 1-based): chr17:68,529,954, A>G. VCF-style: chr17-68529954-A-G. GRCh37 (hg19) VCF-style: chr17-66526095-A-G.
Other names: c.926A>G (NM_002734.3); c.926A>G, p.Asn309Ser (NM_001276289.2, NM_001276290.1, NM_001278433.2 and 4 more transcripts); short protein forms N309S.
Identifiers: ClinVar variation 1354582 (VCV001354582.7), dbSNP rs756663310, ClinGen allele CA8729416.